The following is an entry in ClinVar:

NM_003242.6(TGFBR2):c.842A>T (p.Tyr281Phe)

Gene: TGFBR2 (transforming growth factor beta receptor 2; plus strand). Cytogenetic location: 3p24.1.
Variant type: single nucleotide variant.
Coding change: c.842A>T on transcript NM_003242.6 (MANE Select); coding-DNA position 842, A replaced by T.
Protein change: p.Tyr281Phe; replaces tyrosine 281 with phenylalanine.
Molecular consequence: missense variant.
Genome position (GRCh38, 1-based): chr3:30,672,025, A>T. VCF-style: chr3-30672025-A-T. GRCh37 (hg19) VCF-style: chr3-30713517-A-T.
Other names: c.917A>T, p.Tyr306Phe (NM_001024847.3); c.1025A>T, p.Tyr342Phe (NM_001407126.1); c.950A>T, p.Tyr317Phe (NM_001407127.1); c.869A>T, p.Tyr290Phe (NM_001407128.1); c.845A>T, p.Tyr282Phe (NM_001407129.1); c.842A>T, p.Tyr281Phe (NM_001407130.1); c.737A>T, p.Tyr246Phe (NM_001407132.1, NM_001407133.1, NM_001407134.1 and 2 more transcripts); c.557A>T, p.Tyr186Phe (NM_001407137.1); and 1 more; short protein forms Y306F, Y281F, Y186F, Y317F, Y161F, Y290F, Y342F, Y246F.
Identifiers: ClinVar variation 920805 (VCV000920805.6), dbSNP rs1210616464, ClinGen allele CA351807990.
Genomic context (GRCh38, chr3:30,672,025, plus strand): 5'-CCAAGCTGAAGCAGAACACTTCAGAGCAGTTTGAGACAGTGGCAGTCAAGATCTTTCCCT[A>T]TGAGGAGTATGCCTCTTGGAAGACAGAGAAGGACATCTTCTCAGACATCAATCTGAAGCA-3'
Protein context (NP_003233.4, residues 271-291): FETVAVKIFP[Tyr281Phe]EEYASWKTEK

ClinVar aggregate classification (germline): Uncertain significance (1 of 4 stars; one submission).

Conditions:
Familial thoracic aortic aneurysm and aortic dissection (TAAD). Also called: Thoracic aortic aneurysms and dissections. Identifiers: Orphanet 91387, MedGen C4707243, MONDO:0019625.

Submission:

Color Diagnostics, LLC DBA Color Health
Classification: Uncertain significance for Familial thoracic aortic aneurysm and aortic dissection. Last evaluated: 2023-12-04. Review status: criteria provided, single submitter. Criteria: ACMG Guidelines, 2015. Collection method: clinical testing. Allele origin: germline.
Comment: Variant of Uncertain Significance due to insufficient evidence: This missense variant replaces tyrosine with phenylalanine at codon 281 of the TGFBR2 protein. Computational prediction tools and conservation analyses are inconclusive regarding the impact of this variant on the protein function. Computational splicing tools suggest that this variant may not impact RNA splicing. To our knowledge, functional assays have not been performed for this variant nor has this variant been reported in individuals affected with cardiovascular disorders in the literature. This variant is rare in the general population and has been identified in 0/277264 chromosomes by the Genome Aggregation Database (gnomAD). Available evidence is insufficient to determine the role of this variant in disease conclusively.